The following is an entry in ClinVar:

NM_002890.3(RASA1):c.2136C>G (p.Tyr712Ter)

Genes: CCNH (cyclin H; minus strand), RASA1 (RAS p21 protein activator 1; plus strand). Cytogenetic location: 5q14.3.
Variant type: single nucleotide variant.
Coding change: c.2136C>G on transcript NM_002890.3 (MANE Select); coding-DNA position 2136, C replaced by G.
Protein change: p.Tyr712Ter; replaces tyrosine 712 with a stop codon.
Molecular consequence: nonsense. On other transcripts: intron variant (1).
Genome position (GRCh38, 1-based): chr5:87,376,517, C>G. VCF-style: chr5-87376517-C-G. GRCh37 (hg19) VCF-style: chr5-86672334-C-G.
Other names: c.1605C>G, p.Tyr535Ter (NM_022650.3); c.933+18527G>C (NM_001364075.2); short protein forms Y712*, Y535*.
Identifiers: ClinVar variation 2814807 (VCV002814807.3), dbSNP rs781291507, ClinGen allele CA360379241.

ClinVar aggregate classification (germline): Pathogenic (1 of 4 stars; one submission).

Conditions:
Capillary malformation-arteriovenous malformation syndrome. Also called: Capillary malformation-arteriovenous malformation. Identifiers: Orphanet 137667, MedGen C1842180, MONDO:0012016.

Submission:

Labcorp Genetics (formerly Invitae), Labcorp
Classification: Pathogenic for Capillary malformation-arteriovenous malformation syndrome. Last evaluated: 2022-11-17. Review status: criteria provided, single submitter. Criteria: Invitae Variant Classification Sherloc (09022015). Collection method: clinical testing. Allele origin: germline.
Comment: For these reasons, this variant has been classified as Pathogenic. Algorithms developed to predict the effect of sequence changes on RNA splicing suggest that this variant may create or strengthen a splice site. This variant has not been reported in the literature in individuals affected with RASA1-related conditions. This variant is not present in population databases (gnomAD no frequency). This sequence change creates a premature translational stop signal (p.Tyr712*) in the RASA1 gene. It is expected to result in an absent or disrupted protein product. Loss-of-function variants in RASA1 are known to be pathogenic (PMID: 24038909).

Literature cited by the submitters: PubMed 24038909.